The following is an entry in ClinVar:

ClinVar aggregate classification (germline): Likely pathogenic (1 of 4 stars; one submission).

Conditions:
Ehlers-Danlos syndrome, dermatosparaxis type. Also called: Ehlers-Danlos syndrome, type VII, autosomal recessive; EDS VIIC; Dermatosparaxis. Identifiers: Orphanet 1901, MedGen C2700425, MONDO:0009161, OMIM 225410.

Submission:

Natera, Inc.
Classification: Likely pathogenic for Ehlers-Danlos syndrome type VIIC. Last evaluated: 2025-02-25. Review status: criteria provided, single submitter. Criteria: Natera Variant Classification Schema (03/2026). Collection method: clinical testing. Allele origin: germline.
Comment: The c.2543_2571delinsAGT variant in ADAMTS2 is a frameshift variant predicted to shift the reading frame beginning at codon 848 and leads to a stop codon 71 codons downstream. This variant is expected to result in nonsense mediated decay, truncation, or a dysfunctional protein product. This variant is rare in the general population with a frequency below the threshold expected for the associated phenotype(s). Given the available evidence, this variant is classified as Likely Pathogenic.

NM_014244.5(ADAMTS2):c.2543_2571delinsAGT (p.Val848fs)

Gene: ADAMTS2 (ADAM metallopeptidase with thrombospondin type 1 motif 2; minus strand). Cytogenetic location: 5q35.3.
Variant type: Indel.
Coding change: c.2543_2571delinsAGT on transcript NM_014244.5 (MANE Select); coding-DNA positions 2543 to 2571, TCCTGGAAGAGGACTCTGTGGTCTACGAG replaced by AGT.
Protein change: p.Val848fs; shifts the reading frame from valine 848.
Molecular consequence: frameshift variant.
Genome position (GRCh38, 1-based): chr5:179,128,005-179,128,033, CTCGTAGACCACAGAGTCCTCTTCCAGGA replaced by ACT on the plus strand (TCCTGGAAGAGGACTCTGTGGTCTACGAG replaced by AGT on the coding strand, the reverse complement: ADAMTS2 is on the minus strand). VCF-style: chr5-179128005-CTCGTAGACCACAGAGTCCTCTTCCAGGA-ACT. GRCh37 (hg19) VCF-style: chr5-178555006-CTCGTAGACCACAGAGTCCTCTTCCAGGA-ACT.
Other names: short protein forms V848fs.
Identifiers: ClinVar variation 4815615 (VCV004815615.1).